The following is an entry in ClinVar:

NM_001364905.1(LRBA):c.7322C>T (p.Ala2441Val)

Gene: LRBA (LPS responsive beige-like anchor protein; minus strand). Cytogenetic location: 4q31.3.
Variant type: single nucleotide variant.
Coding change: c.7322C>T on transcript NM_001364905.1 (MANE Select); coding-DNA position 7322, C replaced by T.
Protein change: p.Ala2441Val; replaces alanine 2441 with valine.
Molecular consequence: missense variant.
Genome position (GRCh38, 1-based): chr4:150,350,032, G>A on the plus strand (C>T on the coding strand, the complement: LRBA is on the minus strand). VCF-style: chr4-150350032-G-A. GRCh37 (hg19) VCF-style: chr4-151271184-G-A.
Other names: c.7322C>T, p.Ala2441Val (NM_001199282.3, NM_001367550.1); c.7355C>T, p.Ala2452Val (NM_006726.5); short protein forms A2452V, A2441V.
Identifiers: ClinVar variation 1448405 (VCV001448405.6), dbSNP rs1736924225, ClinGen allele CA358605206.

ClinVar aggregate classification (germline): Uncertain significance (1 of 4 stars; one submission).

Conditions:
Combined immunodeficiency due to LRBA deficiency. Also called: Common variable immunodeficiency 8, with autoimmunity. Identifiers: Orphanet 445018, MedGen C3553512, MONDO:0013863, OMIM 614700.

Allele frequency attached by ClinVar (database versions not stated): TOPMed below 0.00001.
gnomAD v4.1: 2 of 1,613,694 alleles (0.00012%); highest among the groups gnomAD compares: Non-Finnish European, 0.00017%; no homozygotes.

Submission:

Labcorp Genetics (formerly Invitae), Labcorp
Classification: Uncertain significance for Combined immunodeficiency due to LRBA deficiency. Last evaluated: 2021-12-06. Review status: criteria provided, single submitter. Criteria: Invitae Variant Classification Sherloc (09022015). Collection method: clinical testing. Allele origin: germline.
Comment: This sequence change replaces alanine, which is neutral and non-polar, with valine, which is neutral and non-polar, at codon 2452 of the LRBA protein (p.Ala2452Val). This variant is not present in population databases (gnomAD no frequency). This variant has not been reported in the literature in individuals affected with LRBA-related conditions. Algorithms developed to predict the effect of missense changes on protein structure and function are either unavailable or do not agree on the potential impact of this missense change (SIFT: "Deleterious"; PolyPhen-2: "Probably Damaging"; Align-GVGD: "Class C0"). In summary, the available evidence is currently insufficient to determine the role of this variant in disease. Therefore, it has been classified as a Variant of Uncertain Significance.